The following is an entry in ClinVar:

ClinVar aggregate classification (germline): Conflicting classifications of pathogenicity. Review status: criteria provided, conflicting classifications (1 of 4 stars). 9 submissions from 9 submitters: Uncertain significance (1); Benign (4); Likely benign (4). Last evaluated 2026-05-21.

Conditions:
Connective tissue disorder. Also called: Connective tissue disease. Identifiers: MedGen C0009782, MONDO:0003900.

Allele frequency attached by ClinVar (database versions not stated): gnomAD exomes 0.00025 and 0.00051; ExAC 0.00118; ESP Exome Variant Server 0.00157; 1000 Genomes Project 0.00240; gnomAD 0.00272 and 0.00294; TOPMed 0.00315; 1000 Genomes Project 30x 0.00328.
gnomAD v4.1: 787 of 1,556,460 alleles (0.051%); highest among the groups gnomAD compares: African/African-American, 0.97%; 5 homozygotes.

Submissions (9):

Women's Health and Genetics/Laboratory Corporation of America, LabCorp
Classification: Likely benign. Last evaluated: 2026-05-21. Review status: criteria provided, single submitter. Criteria: LabCorp Variant Classification Summary - May 2015. Collection method: clinical testing. Allele origin: germline.
Comment: Variant summary: COL2A1 c.1433C>T (p.Pro478Leu) results in a non-conservative amino acid change in the encoded protein sequence. Algorithms developed to predict the effect of missense changes on protein structure and function all suggest that this variant is likely to be disruptive. The variant allele was found at a frequency of 0.00051 in 158684 control chromosomes, predominantly at a frequency of 0.0086 within the African or African-American subpopulation in the gnomAD database. The observed variant frequency within African or African-American control individuals in the gnomAD database exceeds the estimated maximal expected allele frequency for disease-causing variants in COL2A1. To our knowledge, no occurrence of c.1433C>T in individuals affected with COL2A1-related conditions and no experimental evidence demonstrating its impact on protein function have been reported. ClinVar contains an entry for this variant (Variation ID: 195744). Based on the evidence outlined above, the variant was classified as likely benign.

Labcorp Genetics (formerly Invitae), Labcorp
Classification: Benign. Last evaluated: 2026-02-03. Review status: criteria provided, single submitter. Criteria: Invitae Variant Classification Sherloc (09022015). Collection method: clinical testing. Allele origin: germline.

CeGaT Center for Human Genetics Tuebingen
Classification: Benign. Last evaluated: 2026-01-01. Review status: criteria provided, single submitter. Criteria: CeGaT Center For Human Genetics Tuebingen Variant Classification Criteria Version 2. Collection method: clinical testing. Allele origin: germline. Affected: yes. Observed: 1 variant allele.
Comment: COL2A1: BS1, BS2

ARUP Laboratories, Molecular Genetics and Genomics, ARUP Laboratories
Classification: Likely benign. Last evaluated: 2024-09-30. Review status: criteria provided, single submitter. Criteria: ARUP Molecular Germline Variant Investigation Process 2024. Collection method: clinical testing. Allele origin: germline.

Blueprint Genetics
Classification: Likely benign. Last evaluated: 2024-09-20. Review status: criteria provided, single submitter. Criteria: ACMG Guidelines, 2015. Collection method: clinical testing. Allele origin: germline.

Genome Diagnostics Laboratory, The Hospital for Sick Children
Classification: Likely benign for Connective tissue disorder. Last evaluated: 2021-09-13. Review status: criteria provided, single submitter. Criteria: ACMG Guidelines, 2015. Collection method: clinical testing. Allele origin: germline.

GeneDx
Classification: Benign. Last evaluated: 2017-03-10. Review status: criteria provided, single submitter. Criteria: GeneDx Variant Classification (06012015). Collection method: clinical testing. Allele origin: germline. Affected: yes.
Comment: This variant is considered likely benign or benign based on one or more of the following criteria: it is a conservative change, it occurs at a poorly conserved position in the protein, it is predicted to be benign by multiple in silico algorithms, and/or has population frequency not consistent with disease.

Genomic Diagnostic Laboratory, Division of Genomic Diagnostics, Children's Hospital of Philadelphia
Classification: Uncertain significance. Last evaluated: 2015-06-08. Review status: criteria provided, single submitter. Criteria: DGD Variant Analysis Guidelines. Collection method: clinical testing. Allele origin: unknown.

Eurofins Ntd Llc (ga)
Classification: Benign. Last evaluated: 2015-04-23. Review status: criteria provided, single submitter. Criteria: EGL Classification Definitions 2015. Collection method: clinical testing. Allele origin: germline. Observed: 1 variant allele, 1 heterozygote.

NM_001844.5(COL2A1):c.1433C>T (p.Pro478Leu)

Gene: COL2A1 (collagen type II alpha 1 chain; minus strand). Cytogenetic location: 12q13.11.
Variant type: single nucleotide variant.
Coding change: c.1433C>T on transcript NM_001844.5 (MANE Select); coding-DNA position 1433, C replaced by T.
Protein change: p.Pro478Leu; replaces proline 478 with leucine.
Molecular consequence: missense variant.
Genome position (GRCh38, 1-based): chr12:47,986,430, G>A on the plus strand (C>T on the coding strand, the complement: COL2A1 is on the minus strand). VCF-style: chr12-47986430-G-A. GRCh37 (hg19) VCF-style: chr12-48380213-G-A.
Other names: c.1226C>T, p.Pro409Leu (NM_033150.3); short protein forms P478L, P409L.
Identifiers: ClinVar variation 195744 (VCV000195744.26), dbSNP rs201823490, ClinGen allele CA248795.
Genomic context (GRCh38, chr12:47,986,430, plus strand): 5'-CCAGGCTCTCCACGGGCACCTCTCTTGCCTTCTTCACCAGCGGGTCCAGGGGCTCCCTGG[G>A]GGCCAGCAGGGCCCTGAGGACCAGCAAAAAAGAGAAACAGAGTGAGCCTTCACCTGGCCT-3'
Protein context (NP_001835.3, residues 468-488): GPKGEPGPAG[Pro478Leu]QGAPGPAGEE